The following is an entry in ClinVar:

NM_006734.4(HIVEP2):c.3920A>C (p.Glu1307Ala)

Gene: HIVEP2 (HIVEP zinc finger 2; minus strand). Cytogenetic location: 6q24.2.
Variant type: single nucleotide variant.
Coding change: c.3920A>C on transcript NM_006734.4 (MANE Select); coding-DNA position 3920, A replaced by C.
Protein change: p.Glu1307Ala; replaces glutamic acid 1307 with alanine.
Molecular consequence: missense variant.
Genome position (GRCh38, 1-based): chr6:142,770,819, T>G on the plus strand (A>C on the coding strand, the complement: HIVEP2 is on the minus strand). VCF-style: chr6-142770819-T-G. GRCh37 (hg19) VCF-style: chr6-143091956-T-G.
Other names: short protein forms E1307A.
Identifiers: ClinVar variation 3233869 (VCV003233869.2), dbSNP rs747720361, ClinGen allele CA365902255.

ClinVar aggregate classification (germline): Uncertain significance (1 of 4 stars; one submission).

Submission:

Women's Health and Genetics/Laboratory Corporation of America, LabCorp
Classification: Uncertain significance. Last evaluated: 2024-03-19. Review status: criteria provided, single submitter. Criteria: LabCorp Variant Classification Summary - May 2015. Collection method: clinical testing. Allele origin: germline.
Comment: Variant summary: HIVEP2 c.3920A>C (p.Glu1307Ala) results in a non-conservative amino acid change in the encoded protein sequence. Four of five in-silico tools predict a benign effect of the variant on protein function. The variant was absent in 249564 control chromosomes. The available data on variant occurrences in the general population are insufficient to allow any conclusion about variant significance. To our knowledge, no occurrence of c.3920A>C in individuals affected with Intellectual Disability, Autosomal Dominant 43 and no experimental evidence demonstrating its impact on protein function have been reported. No submitters have cited clinical-significance assessments for this variant to ClinVar. Based on the evidence outlined above, the variant was classified as uncertain significance.